The following is an entry in ClinVar:

ClinVar aggregate classification (germline): Conflicting classifications of pathogenicity. Review status: criteria provided, conflicting classifications (1 of 4 stars). 3 submissions from 3 submitters: Uncertain significance (1); Likely benign (2). Last evaluated 2026-05-05.

Conditions:
Gray platelet syndrome (GPS). Also called: BLEEDING DISORDER, PLATELET-TYPE, 4. Identifiers: Orphanet 721, MedGen C0272302, MONDO:0007686, OMIM 139090.
NBEAL2-related disorder. Also called: NBEAL2-related condition.

Allele frequency attached by ClinVar (database versions not stated): TOPMed 0.00016; gnomAD 0.00021.
gnomAD v4.1: 222 of 1,612,510 alleles (0.014%); highest among the groups gnomAD compares: Non-Finnish European, 0.0022%; 1 homozygote.

Submissions (3):

PreventionGenetics, part of Exact Sciences
Classification: Likely benign for NBEAL2-related condition. Last evaluated: 2026-05-05. Review status: criteria provided, single submitter. Criteria: ACMG Guidelines, 2015. Collection method: clinical testing. Allele origin: germline.
Comment: This variant is classified as likely benign based on ACMG/AMP sequence variant interpretation guidelines (Richards et al. 2015 PMID: 25741868, with internal and published modifications).

Labcorp Genetics (formerly Invitae), Labcorp
Classification: Likely benign. Last evaluated: 2026-01-13. Review status: criteria provided, single submitter. Criteria: Invitae Variant Classification Sherloc (09022015). Collection method: clinical testing. Allele origin: germline.

Illumina Laboratory Services, Illumina
Classification: Uncertain significance for Gray platelet syndrome. Last evaluated: 2018-01-12. Review status: criteria provided, single submitter. Criteria: ICSL Variant Classification Criteria 13 December 2019. Collection method: clinical testing. Allele origin: germline.

NM_015175.3(NBEAL2):c.2505G>A (p.Glu835=)

Gene: NBEAL2 (neurobeachin like 2; plus strand). Cytogenetic location: 3p21.31.
Variant type: single nucleotide variant.
Coding change: c.2505G>A on transcript NM_015175.3 (MANE Select); coding-DNA position 2505, G replaced by A.
Protein change: p.Glu835=; no amino-acid change (glutamic acid 835 retained).
Molecular consequence: synonymous variant.
Genome position (GRCh38, 1-based): chr3:46,996,782, G>A. VCF-style: chr3-46996782-G-A. GRCh37 (hg19) VCF-style: chr3-47038272-G-A.
Other names: c.2403G>A, p.Glu801= (NM_001365116.2).
Identifiers: ClinVar variation 900868 (VCV000900868.6), dbSNP rs202204936, ClinGen allele CA2360655.
Genomic context (GRCh38, chr3:46,996,782, plus strand): 5'-AGGTCTGAAGCCCCCTGCCCACCTCCCAGGGCCCAATGAGACGGCACCCTTCAAGCCTGA[G>A]GGGGAGCTGCATGAGCTCAGCACCAGGCTGCTCCTCCATTACTCACCTCAGGTATTTGGG-3'
Protein context (NP_055990.1, residues 825-845): GPNETAPFKP[Glu835=]GELHELSTRL